The following is an entry in ClinVar:

NM_001365536.1(SCN9A):c.3406G>A (p.Gly1136Arg)

Genes: SCN9A (sodium voltage-gated channel alpha subunit 9; minus strand), SCN1A-AS1 (SCN1A and SCN9A antisense RNA 1; plus strand). Cytogenetic location: 2q24.3.
Variant type: single nucleotide variant.
Coding change: c.3406G>A on transcript NM_001365536.1 (MANE Select); coding-DNA position 3406, G replaced by A.
Protein change: p.Gly1136Arg; replaces glycine 1136 with arginine.
Molecular consequence: missense variant. On other transcripts: non-coding transcript variant (1).
Genome position (GRCh38, 1-based): chr2:166,251,831, C>T on the plus strand (G>A on the coding strand, the complement: SCN9A is on the minus strand). VCF-style: chr2-166251831-C-T. GRCh37 (hg19) VCF-style: chr2-167108341-C-T.
Other names: c.3373G>A, p.Gly1125Arg (NM_002977.4); short protein forms G1125R, G1136R.
Identifiers: ClinVar variation 650351 (VCV000650351.9), dbSNP rs774128928, ClinGen allele CA1944067.

ClinVar aggregate classification (germline): Uncertain significance (1 of 4 stars; one submission).

Conditions:
Neuropathy, hereditary sensory and autonomic, type 2A (HSAN2A). Also called: WNK1-Related HSAN2 (HSAN2A); MORVAN DISEASE; NEUROPATHY, CONGENITAL SENSORY; NEUROPATHY, HEREDITARY SENSORY RADICULAR, AUTOSOMAL RECESSIVE; NEUROPATHY, HEREDITARY SENSORY, TYPE IIA; NEUROPATHY, PROGRESSIVE SENSORY, OF CHILDREN. Identifiers: Orphanet 970, MedGen C2752089, MONDO:0024309, OMIM 201300.
Generalized epilepsy with febrile seizures plus, type 7 (GEFSP7). Also called: GEFS+, TYPE 7. Identifiers: Orphanet 36387, MedGen C2751778, MONDO:0013470, OMIM 613863.

Allele frequency attached by ClinVar (database versions not stated): gnomAD exomes below 0.00001; ExAC 0.00001.
gnomAD v4.1: 2 of 1,612,638 alleles (0.00012%); highest among the groups gnomAD compares: Admixed American, 0.0017%; no homozygotes.

Submission:

Labcorp Genetics (formerly Invitae), Labcorp
Classification: Uncertain significance for Neuropathy, hereditary sensory and autonomic, type 2A; Generalized epilepsy with febrile seizures plus, type 7. Last evaluated: 2025-01-28. Review status: criteria provided, single submitter. Criteria: Invitae Variant Classification Sherloc (09022015). Collection method: clinical testing. Allele origin: germline.
Comment: This sequence change replaces glycine, which is neutral and non-polar, with arginine, which is basic and polar, at codon 1125 of the SCN9A protein (p.Gly1125Arg). This variant is present in population databases (rs774128928, gnomAD 0.0009%). This variant has not been reported in the literature in individuals affected with SCN9A-related conditions. ClinVar contains an entry for this variant (Variation ID: 650351). Invitae Evidence Modeling of protein sequence and biophysical properties (such as structural, functional, and spatial information, amino acid conservation, physicochemical variation, residue mobility, and thermodynamic stability) indicates that this missense variant is not expected to disrupt SCN9A protein function with a negative predictive value of 95%. In summary, the available evidence is currently insufficient to determine the role of this variant in disease. Therefore, it has been classified as a Variant of Uncertain Significance.